The following is an entry in ClinVar:

ClinVar aggregate classification (germline): Benign. Review status: criteria provided, single submitter (1 of 4 stars). 2 submissions from 2 submitters: Benign (1). 1 of the submissions does not count toward it. Last evaluated 2025-08-12.

Conditions:
PLXNA1-related disorder. Also called: PLXNA1-related condition.

Allele frequency attached by ClinVar (database versions not stated): gnomAD 0.00036; ESP Exome Variant Server 0.00038; TOPMed 0.00039; ExAC 0.00078.
gnomAD v4.1: 618 of 1,605,678 alleles (0.038%); highest among the groups gnomAD compares: Non-Finnish European, 0.01%; 6 homozygotes.

Submissions (2):

Labcorp Genetics (formerly Invitae), Labcorp
Classification: Benign. Last evaluated: 2025-08-12. Review status: criteria provided, single submitter. Criteria: Invitae Variant Classification Sherloc (09022015). Collection method: clinical testing. Allele origin: germline.

PreventionGenetics, part of Exact Sciences
Classification: Likely benign for PLXNA1-related condition. Last evaluated: 2019-02-22. Review status: no assertion criteria provided. Collection method: clinical testing. Allele origin: germline. Not counted in ClinVar's aggregate classification.
Comment: This variant is classified as likely benign based on ACMG/AMP sequence variant interpretation guidelines (Richards et al. 2015 PMID: 25741868, with internal and published modifications).

NM_032242.4(PLXNA1):c.3678C>T (p.Phe1226=)

Gene: PLXNA1 (plexin A1; plus strand). Cytogenetic location: 3q21.3.
Variant type: single nucleotide variant.
Coding change: c.3678C>T on transcript NM_032242.4 (MANE Select); coding-DNA position 3678, C replaced by T.
Protein change: p.Phe1226=; no amino-acid change (phenylalanine 1226 retained).
Molecular consequence: synonymous variant.
Genome position (GRCh38, 1-based): chr3:127,018,311, C>T. VCF-style: chr3-127018311-C-T. GRCh37 (hg19) VCF-style: chr3-126737154-C-T.
Identifiers: ClinVar variation 3045407 (VCV003045407.3), dbSNP rs143549043, ClinGen allele CA2594119.
Genomic context (GRCh38, chr3:127,018,311, plus strand): 5'-GGAAAGCATGGGAAGCTCCTGAGTGGCCTCCACCCACTGGCAGGTGCGGGCAGGTGGCTT[C>T]GAGTTCTCGCCAGGGACACTGCAGGTGTACTCGGACAGCCTGCTGACGCTGCCTGCCATT-3'
Protein context (NP_115618.3, residues 1216-1236): QHKVTVRAGG[Phe1226=]EFSPGTLQVY